The following is an entry in ClinVar:

NM_133625.6(SYN2):c.1369+21G>C

Gene: SYN2 (synapsin II; plus strand). Cytogenetic location: 3p25.2.
Variant type: single nucleotide variant.
Coding change: c.1369+21G>C on transcript NM_133625.6 (MANE Select); 21 bases into the intron after coding-DNA position 1369, G replaced by C.
Molecular consequence: intron variant. On other transcripts: missense variant (1).
Genome position (GRCh38, 1-based): chr3:12,183,393, G>C. VCF-style: chr3-12183393-G-C. GRCh37 (hg19) VCF-style: chr3-12224893-G-C.
Other names: c.1390G>C, p.Asp464His (NM_003178.6); short protein forms D464H.
Identifiers: ClinVar variation 392415 (VCV000392415.2), dbSNP rs751232089, ClinGen allele CA16604789.

ClinVar aggregate classification (germline): Uncertain significance (1 of 4 stars; one submission).

Allele frequency attached by ClinVar (database versions not stated): TOPMed 0.00002.
gnomAD v4.1: 13 of 1,613,556 alleles (0.00081%); highest among the groups gnomAD compares: African/African-American, 0.0013%; no homozygotes.

Submission:

GeneDx
Classification: Uncertain significance. Last evaluated: 2017-01-11. Review status: criteria provided, single submitter. Criteria: GeneDx Variant Classification (06012015). Collection method: clinical testing. Allele origin: germline. Affected: yes.
Comment: The D464H variant in the SYN2 gene has not been reported previously as a pathogenic variant, nor as a benign variant, to our knowledge. The D464H variant was not observed in approximately 5,900 individuals of European and African American ancestry in the NHLBI Exome Sequencing Project, indicating it is not a common benign variant in these populations. The D464H variant is a non-conservative amino acid substitution, which is likely to impact secondary protein structure as these residues differ in polarity, charge, size and/or other properties. This substitution occurs at a position that is conserved in mammals. In silico analysis is inconsistent in its predictions as to whether or not the variant is damaging to the protein structure/function. We interpret D464H as a variant of uncertain significance.